The following is an entry in ClinVar:

ClinVar aggregate classification (germline): Uncertain significance (1 of 4 stars; one submission).

Allele frequency attached by ClinVar (database versions not stated): ExAC 0.00001; gnomAD exomes 0.00001 and 0.00002; TOPMed 0.00001.
gnomAD v4.1: 15 of 1,613,310 alleles (0.00093%); highest among the groups gnomAD compares: Non-Finnish European, 0.0013%; no homozygotes.

Submission:

Labcorp Genetics (formerly Invitae), Labcorp
Classification: Uncertain significance. Last evaluated: 2025-05-29. Review status: criteria provided, single submitter. Criteria: Invitae Variant Classification Sherloc (09022015). Collection method: clinical testing. Allele origin: germline.
Comment: This sequence change replaces asparagine, which is neutral and polar, with lysine, which is basic and polar, at codon 224 of the EYS protein (p.Asn224Lys). This variant is present in population databases (rs754399844, gnomAD 0.004%). This variant has not been reported in the literature in individuals affected with EYS-related conditions. ClinVar contains an entry for this variant (Variation ID: 958206). Invitae Evidence Modeling of protein sequence and biophysical properties (such as structural, functional, and spatial information, amino acid conservation, physicochemical variation, residue mobility, and thermodynamic stability) indicates that this missense variant is not expected to disrupt EYS protein function with a negative predictive value of 80%. In summary, the available evidence is currently insufficient to determine the role of this variant in disease. Therefore, it has been classified as a Variant of Uncertain Significance.

NM_001142800.2(EYS):c.672T>A (p.Asn224Lys)

Gene: EYS (EGF-like photoreceptor maintenance factor; minus strand). Cytogenetic location: 6q12.
Variant type: single nucleotide variant.
Coding change: c.672T>A on transcript NM_001142800.2 (MANE Select); coding-DNA position 672, T replaced by A.
Protein change: p.Asn224Lys; replaces asparagine 224 with lysine.
Molecular consequence: missense variant.
Genome position (GRCh38, 1-based): chr6:65,494,739, A>T on the plus strand (T>A on the coding strand, the complement: EYS is on the minus strand). VCF-style: chr6-65494739-A-T. GRCh37 (hg19) VCF-style: chr6-66204632-A-T.
Other names: c.672T>A, p.Asn224Lys (NM_001142801.2, NM_001292009.2, NM_198283.2); short protein forms N224K.
Identifiers: ClinVar variation 958206 (VCV000958206.5), dbSNP rs754399844, ClinGen allele CA3878037.
Genomic context (GRCh38, chr6:65,494,739, plus strand): 5'-ACAGACACATTCATATGCTTGCTCATCCCAATTTTCTCTTTTATTAATGCAACTGCCATT[A>T]TTTTTACATGGTTTAAAAGAACATGCATCAAGTTCCTGGCAGTATTTTCCAGAAAATGGA-3'
Protein context (NP_001136272.1, residues 214-234): LDACSFKPCK[Asn224Lys]NGSCINKREN